The following is an entry in ClinVar:

ClinVar aggregate classification (germline): Conflicting classifications of pathogenicity. Review status: criteria provided, conflicting classifications (1 of 4 stars). 3 submissions from 3 submitters: Uncertain significance (1); Likely benign (2). Last evaluated 2025-12-18.

Conditions:
Hereditary cancer-predisposing syndrome. Also called: Neoplastic Syndromes, Hereditary; Tumor predisposition; Hereditary neoplastic syndrome; Hereditary Cancer Syndrome. Identifiers: Orphanet 140162, MedGen C0027672, MeSH D009386, MONDO:0015356.
Hereditary breast ovarian cancer syndrome. Also called: Breast and ovarian cancer; BRCA1- and BRCA2-Associated Hereditary Breast and Ovarian Cancer; Hereditary breast and ovarian cancer; Hereditary breast and/or ovarian cancer syndrome; Hereditary breast and ovarian cancer syndrome; Hereditary breast and ovarian cancer syndrome (HBOC). Identifiers: Orphanet 145, MedGen C0677776, MeSH D061325, MONDO:0003582. Disease mechanism: loss of function.

Submissions (3):

Ambry Genetics
Classification: Likely benign for Hereditary cancer-predisposing syndrome. Last evaluated: 2025-12-18. Review status: criteria provided, single submitter. Criteria: Ambry Variant Classification Scheme 2023. Collection method: clinical testing. Allele origin: germline.

University of Washington Department of Laboratory Medicine, University of Washington
Classification: Likely benign for Hereditary cancer-predisposing syndrome. Last evaluated: 2023-03-23. Review status: criteria provided, single submitter. Criteria: Dines et al. (Genet Med. 2020). Collection method: curation. Allele origin: germline.
Comment: Missense variant in a coldspot region where missense variants are very unlikely to be pathogenic (PMID:31911673).

BRCA2 exon 11 coldspot. Reclassification based on statistical prior probability.

Labcorp Genetics (formerly Invitae), Labcorp
Classification: Uncertain significance for Hereditary breast ovarian cancer syndrome. Last evaluated: 2016-04-29. Review status: criteria provided, single submitter. Criteria: Invitae Variant Classification Sherloc (09022015). Collection method: clinical testing. Allele origin: germline.
Comment: Algorithms developed to predict the effect of sequence changes on mRNA splicing suggest that this variant may alter mRNA splicing, but this prediction has not been confirmed by published transcriptional studies. In summary, this variant is a novel missense change with uncertain impact on protein function. It has been classified as a Variant of Uncertain Significance. Algorithms developed to predict the effect of missense changes on protein structure and function output the following: (SIFT: "Tolerated"; PolyPhen-2: "Benign"; Align-GVGD: "Class C0"). The serine amino acid residue is also found in multiple mammalian species, suggesting that this missense change does not adversely affect protein function. These predictions have not been confirmed by published functional studies. This variant is not present in population databases (ExAC no frequency) and has not been reported in the literature in individuals with a BRCA2-related disease. This sequence change replaces asparagine with serine at codon 1657 of the BRCA2 protein (p.Asn1657Ser). The asparagine residue is moderately conserved and there is a small physicochemical difference between asparagine and serine.

NM_000059.4(BRCA2):c.4970A>G (p.Asn1657Ser)

Gene: BRCA2 (BRCA2 DNA repair associated; plus strand). Cytogenetic location: 13q13.1.
Variant type: single nucleotide variant.
Coding change: c.4970A>G on transcript NM_000059.4 (MANE Select); coding-DNA position 4970, A replaced by G.
Protein change: p.Asn1657Ser; replaces asparagine 1657 with serine.
Molecular consequence: missense variant.
Genome position (GRCh38, 1-based): chr13:32,339,325, A>G. VCF-style: chr13-32339325-A-G. GRCh37 (hg19) VCF-style: chr13-32913462-A-G.
Other names: short protein forms N1657S.
Identifiers: ClinVar variation 409419 (VCV000409419.8), dbSNP rs1060502382, ClinGen allele CA16614154.